The following is an entry in ClinVar:

ClinVar aggregate classification (germline): Uncertain significance. Review status: criteria provided, multiple submitters, no conflicts (2 of 4 stars). 2 submissions from 2 submitters: Uncertain significance (2). Last evaluated 2022-08-12.

Conditions:
Perrault syndrome 4 (PRLTS4). Identifiers: Orphanet 2855, MedGen C3809105, MONDO:0014126, OMIM 615300.
Hydrops-lactic acidosis-sideroblastic anemia-multisystemic failure syndrome. Also called: Hydrops, lactic acidosis, and sideroblastic anemia. Identifiers: Orphanet 528091, MedGen C4310761, MONDO:0014869, OMIM 617021.

Allele frequency attached by ClinVar (database versions not stated): ExAC 0.00001.
gnomAD v4.1: 19 of 1,608,908 alleles (0.0012%); highest among the groups gnomAD compares: East Asian, 0.0022%; no homozygotes.

Submissions (2):

Labcorp Genetics (formerly Invitae), Labcorp
Classification: Uncertain significance. Last evaluated: 2022-08-12. Review status: criteria provided, single submitter. Criteria: Invitae Variant Classification Sherloc (09022015). Collection method: clinical testing. Allele origin: germline.
Comment: This sequence change replaces asparagine, which is neutral and polar, with serine, which is neutral and polar, at codon 847 of the LARS2 protein (p.Asn847Ser). This variant is present in population databases (rs538066955, gnomAD 0.007%). This variant has not been reported in the literature in individuals affected with LARS2-related conditions. ClinVar contains an entry for this variant (Variation ID: 1384523). Algorithms developed to predict the effect of missense changes on protein structure and function are either unavailable or do not agree on the potential impact of this missense change (SIFT: "Tolerated"; PolyPhen-2: "Probably Damaging"; Align-GVGD: "Class C0"). Algorithms developed to predict the effect of sequence changes on RNA splicing suggest that this variant may create or strengthen a splice site. In summary, the available evidence is currently insufficient to determine the role of this variant in disease. Therefore, it has been classified as a Variant of Uncertain Significance.

Fulgent Genetics
Classification: Uncertain significance for Perrault syndrome 4; Hydrops-lactic acidosis-sideroblastic anemia-multisystemic failure syndrome. Last evaluated: 2021-07-15. Review status: criteria provided, single submitter. Criteria: ACMG Guidelines, 2015. Collection method: clinical testing. Allele origin: unknown.

NM_015340.4(LARS2):c.2540A>G (p.Asn847Ser)

Gene: LARS2 (leucyl-tRNA synthetase 2, mitochondrial; plus strand). Cytogenetic location: 3p21.31.
Variant type: single nucleotide variant.
Coding change: c.2540A>G on transcript NM_015340.4 (MANE Select); coding-DNA position 2540, A replaced by G.
Protein change: p.Asn847Ser; replaces asparagine 847 with serine.
Molecular consequence: missense variant.
Genome position (GRCh38, 1-based): chr3:45,547,358, A>G. VCF-style: chr3-45547358-A-G. GRCh37 (hg19) VCF-style: chr3-45588850-A-G.
Other names: c.2540A>G, p.Asn847Ser (NM_001368263.1); short protein forms N847S.
Identifiers: ClinVar variation 1384523 (VCV001384523.6), dbSNP rs538066955, ClinGen allele CA2349936.
Genomic context (GRCh38, chr3:45,547,358, plus strand): 5'-CTGCCACTCTGAGGATGTTCCTCATTGTTTATCTTGGCTTTTCTCCTTCTCAGATCAACA[A>G]TAAAGCTTGTGGCAAAATTCCTGTGCCCCAACAAGTTGCCCGGGACCAGGACAAAGTCCA-3'
Protein context (NP_056155.1, residues 837-857): EVVQMAVLIN[Asn847Ser]KACGKIPVPQ